The following is an entry in ClinVar:

NM_001750.7(CAST):c.1711-10C>T

Gene: CAST (calpastatin; plus strand). Cytogenetic location: 5q15.
Variant type: single nucleotide variant.
Coding change: c.1711-10C>T on transcript NM_001750.7 (MANE Select); 10 bases into the intron before coding-DNA position 1711, C replaced by T.
Molecular consequence: intron variant.
Genome position (GRCh38, 1-based): chr5:96,757,434, C>T. VCF-style: chr5-96757434-C-T. GRCh37 (hg19) VCF-style: chr5-96093138-C-T.
Other names: c.1588-10C>T (NM_001042440.4, NM_001042440.5, NM_001330627.2); c.1423-10C>T (NM_001190442.2, NM_001330631.2); c.1654-10C>T (NM_001042441.3); c.1615-10C>T (NM_001330626.2); c.1645-10C>T (NM_001042442.3); c.1627-10C>T (NM_001330629.2); c.1600-10C>T (NM_001375317.1); c.1543-10C>T (NM_001330628.2); and 8 more.
Identifiers: ClinVar variation 1247991 (VCV001247991.12), dbSNP rs2290677, ClinGen allele CA3351430.

ClinVar aggregate classification (germline): Benign. Review status: criteria provided, multiple submitters, no conflicts (2 of 4 stars). 3 submissions from 3 submitters: Benign (2). 1 of the submissions does not count toward it. Last evaluated 2026-02-02.

Conditions:
CAST-related disorder. Also called: CAST-related condition.

Allele frequency attached by ClinVar (database versions not stated): gnomAD exomes 0.07861 and 0.07728; 1000 Genomes Project 0.10124; gnomAD 0.09517 and 0.09649; TOPMed 0.10012; ESP Exome Variant Server 0.10211; 1000 Genomes Project 30x 0.10462; ExAC 0.08118.
gnomAD v4.1: 128,118 of 1,611,684 alleles (7.9%); highest among the groups gnomAD compares: African/African-American, 16%; 5,893 homozygotes.

Submissions (3):

Labcorp Genetics (formerly Invitae), Labcorp
Classification: Benign. Last evaluated: 2026-02-02. Review status: criteria provided, single submitter. Criteria: Invitae Variant Classification Sherloc (09022015). Collection method: clinical testing. Allele origin: germline.

GeneDx
Classification: Benign. Last evaluated: 2021-06-09. Review status: criteria provided, single submitter. Criteria: GeneDx Variant Classification Process June 2021. Collection method: clinical testing. Allele origin: germline. Affected: yes.

PreventionGenetics, part of Exact Sciences
Classification: Benign for CAST-related condition. Last evaluated: 2019-11-06. Review status: no assertion criteria provided. Collection method: clinical testing. Allele origin: germline. Not counted in ClinVar's aggregate classification.
Comment: This variant is classified as benign based on ACMG/AMP sequence variant interpretation guidelines (Richards et al. 2015 PMID: 25741868, with internal and published modifications).